The following is an entry in ClinVar:

NM_033305.3(VPS13A):c.6673_6676delinsGATGTGTATAAG (p.Leu2225fs)

Gene: VPS13A (vacuolar protein sorting 13 homolog A; plus strand). Cytogenetic location: 9q21.2.
Variant type: Indel.
Coding change: c.6673_6676delinsGATGTGTATAAG on transcript NM_033305.3 (MANE Select); coding-DNA positions 6673 to 6676, TTAC replaced by GATGTGTATAAG.
Protein change: p.Leu2225fs; shifts the reading frame from leucine 2225.
Molecular consequence: frameshift variant.
Genome position (GRCh38, 1-based): chr9:77,339,810-77,339,813, TTAC replaced by GATGTGTATAAG. VCF-style: chr9-77339810-TTAC-GATGTGTATAAG. GRCh37 (hg19) VCF-style: chr9-79954726-TTAC-GATGTGTATAAG.
Other names: c.6556_6559delinsGATGTGTATAAG, p.Leu2186fs (NM_001018037.2); c.6673_6676delinsGATGTGTATAAG, p.Leu2225fs (NM_001018038.3, NM_015186.4); short protein forms L2186fs, L2225fs.
Identifiers: ClinVar variation 5010399 (VCV005010399.1).

ClinVar aggregate classification (germline): Pathogenic (1 of 4 stars; one submission).

Conditions:
VPS13A-related neurodegenerative disease. Also called: ACANTHOCYTOSIS WITH NEUROLOGIC DISORDER; LEVINE-CRITCHLEY SYNDROME; Choreoacanthocytosis; Chorea-acanthocytosis; Choreaacanthocytosis; VPS13A Disease. Identifiers: Orphanet 2388, MedGen C0393576, MONDO:0008695, OMIM 200150.

Submission:

Myriad Genetics, Inc.
Classification: Pathogenic for VPS13A-related neurodegenerative disease. Last evaluated: 2024-05-14. Review status: criteria provided, single submitter. Criteria: Myriad Autosomal Dominant, Autosomal Recessive and X-Linked Classification Criteria (2023). Collection method: clinical testing. Allele origin: unknown.
Comment: NM_033305.2(VPS13A):c.6673_6676del4ins12(L2225Dfs*42) is expected to be pathogenic in the context of VPS13A disease. This variant is predicted to lead to an abnormal or absent protein product due to the creation of a premature termination codon in VPS13A, a gene where loss-of-function variants are known to be pathogenic. Please note: this variant was assessed in the context of healthy population screening.